The following is an entry in ClinVar:

NM_001367943.1(TCF7L2):c.1254C>T (p.Ser418=)

Gene: TCF7L2 (transcription factor 7 like 2; plus strand). Cytogenetic location: 10q25.3.
Variant type: single nucleotide variant.
Coding change: c.1254C>T on transcript NM_001367943.1 (MANE Select); coding-DNA position 1254, C replaced by T.
Protein change: p.Ser418=; no amino-acid change (serine 418 retained).
Molecular consequence: synonymous variant.
Genome position (GRCh38, 1-based): chr10:113,152,425, C>T. VCF-style: chr10-113152425-C-T. GRCh37 (hg19) VCF-style: chr10-114912184-C-T.
Other names: c.1254C>T, p.Ser418= (NM_001146274.2, NM_001198531.2, NM_001363501.2); c.1326C>T, p.Ser442= (NM_001146283.2); c.1173C>T, p.Ser391= (NM_001146284.2, NM_001198527.2); c.1185C>T, p.Ser395= (NM_001146285.2, NM_001146286.2, NM_001198526.2 and 3 more transcripts); c.1200C>T, p.Ser400= (NM_001198525.2); c.1083C>T, p.Ser361= (NM_001198530.2); c.825C>T, p.Ser275= (NM_001349870.2); c.705C>T, p.Ser235= (NM_001349871.1).
Identifiers: ClinVar variation 3054967 (VCV003054967.2), dbSNP rs762632915, ClinGen allele CA5693125.
Genomic context (GRCh38, chr10:113,152,425, plus strand): 5'-ATACTACGAGCTGGCCCGGAAGGAGCGACAGCTTCATATGCAACTGTACCCCGGCTGGTC[C>T]GCGCGGGATAACTATGTAGGTGGATCATTTTCGTTAGGATTGGAGTCTGTAGAGCTGTGT-3'
Protein context (NP_001354872.1, residues 408-428): QLHMQLYPGW[Ser418=]ARDNYGKKKK

ClinVar aggregate classification (germline): Likely benign (0 of 4 stars; one submission).

Conditions:
TCF7L2-related disorder. Also called: TCF7L2-related condition.

Allele frequency attached by ClinVar (database versions not stated): ExAC 0.00002; gnomAD 0.00007; gnomAD exomes 0.00007.
gnomAD v4.1: 108 of 1,613,782 alleles (0.0067%); highest among the groups gnomAD compares: Middle Eastern, 0.033%; 1 homozygote.

Submission:

PreventionGenetics, part of Exact Sciences
Classification: Likely benign for TCF7L2-related condition. Last evaluated: 2020-04-29. Review status: no assertion criteria provided. Collection method: clinical testing. Allele origin: germline.
Comment: This variant is classified as likely benign based on ACMG/AMP sequence variant interpretation guidelines (Richards et al. 2015 PMID: 25741868, with internal and published modifications).